The following is an entry in ClinVar:

ClinVar aggregate classification (germline): Benign (1 of 4 stars; one submission).

Conditions:
Familial cancer of breast. Also called: hereditary breast carcinoma; Hereditary breast cancer; BREAST CANCER, FAMILIAL. Identifiers: Orphanet 227535, MedGen C0346153, MONDO:0016419, OMIM 114480. Disease mechanism: loss of function.

Submission:

Myriad Genetics, Inc.
Classification: Benign for Familial cancer of breast. Last evaluated: 2024-09-09. Review status: criteria provided, single submitter. Criteria: Myriad Autosomal Dominant, Autosomal Recessive and X-Linked Classification Criteria (2023). Collection method: clinical testing. Allele origin: unknown.
Comment: This variant is considered benign. This variant is a silent/synonymous amino acid change and it is not expected to impact splicing.

NM_032043.3(BRIP1):c.2920C>T (p.Leu974=)

Gene: BRIP1 (BRCA1 interacting DNA helicase 1; minus strand). Cytogenetic location: 17q23.2.
Variant type: single nucleotide variant.
Coding change: c.2920C>T on transcript NM_032043.3 (MANE Select); coding-DNA position 2920, C replaced by T.
Protein change: p.Leu974=; no amino-acid change (leucine 974 retained).
Molecular consequence: synonymous variant.
Genome position (GRCh38, 1-based): chr17:61,684,126, G>A on the plus strand (C>T on the coding strand, the complement: BRIP1 is on the minus strand). VCF-style: chr17-61684126-G-A. GRCh37 (hg19) VCF-style: chr17-59761487-G-A.
Identifiers: ClinVar variation 3378510 (VCV003378510.1).